The following is an entry in ClinVar:

ClinVar aggregate classification (germline): Uncertain significance. Review status: criteria provided, multiple submitters, no conflicts (2 of 4 stars). 3 submissions from 3 submitters: Uncertain significance (3). Last evaluated 2025-11-26.

Conditions:
Renal cell carcinoma. Identifiers: Orphanet 217071, MedGen C0007134, MeSH D002292, MONDO:0005086, HP:0005584.
Autosomal recessive nonsyndromic hearing loss 97. Also called: Deafness, autosomal recessive 97. Identifiers: Orphanet 90636, MedGen C4084709, MONDO:0014739, OMIM 616705.
Hereditary cancer-predisposing syndrome. Also called: Hereditary Cancer Syndrome; Hereditary neoplastic syndrome; Neoplastic Syndromes, Hereditary; Tumor predisposition. Identifiers: Orphanet 140162, MedGen C0027672, MeSH D009386, MONDO:0015356.

Allele frequency attached by ClinVar (database versions not stated): gnomAD exomes below 0.00001 and 0.00001; TOPMed below 0.00001; gnomAD 0.00001.
gnomAD v4.1: 18 of 1,613,758 alleles (0.0011%); highest among the groups gnomAD compares: Non-Finnish European, 0.0014%; no homozygotes.

Submissions (3):

Labcorp Genetics (formerly Invitae), Labcorp
Classification: Uncertain significance for Renal cell carcinoma. Last evaluated: 2025-11-26. Review status: criteria provided, single submitter. Criteria: Invitae Variant Classification Sherloc (09022015). Collection method: clinical testing. Allele origin: germline.
Comment: This sequence change replaces asparagine, which is neutral and polar, with tyrosine, which is neutral and polar, at codon 922 of the MET protein (p.Asn922Tyr). This variant is present in population databases (no rsID available, gnomAD 0.0009%). This variant has not been reported in the literature in individuals affected with MET-related conditions. ClinVar contains an entry for this variant (Variation ID: 454220). Invitae Evidence Modeling of protein sequence and biophysical properties (such as structural, functional, and spatial information, amino acid conservation, physicochemical variation, residue mobility, and thermodynamic stability) indicates that this missense variant is expected to disrupt MET protein function with a positive predictive value of 80%. In summary, the available evidence is currently insufficient to determine the role of this variant in disease. Therefore, it has been classified as a Variant of Uncertain Significance.

Baylor Genetics
Classification: Uncertain significance for Autosomal recessive nonsyndromic hearing loss 97. Last evaluated: 2024-03-25. Review status: criteria provided, single submitter. Criteria: ACMG Guidelines, 2015. Collection method: clinical testing. Allele origin: unknown.

Ambry Genetics
Classification: Uncertain significance for Hereditary cancer-predisposing syndrome. Last evaluated: 2023-10-17. Review status: criteria provided, single submitter. Criteria: Ambry Variant Classification Scheme 2023. Collection method: clinical testing. Allele origin: germline.
Comment: The p.N922Y variant (also known as c.2764A>T), located in coding exon 11 of the MET gene, results from an A to T substitution at nucleotide position 2764. The asparagine at codon 922 is replaced by tyrosine, an amino acid with dissimilar properties. This amino acid position is highly conserved in available vertebrate species. In addition, the in silico prediction for this alteration is inconclusive. Since supporting evidence is limited at this time, the clinical significance of this alteration remains unclear.

NM_000245.4(MET):c.2710A>T (p.Asn904Tyr)

Gene: MET (MET proto-oncogene, receptor tyrosine kinase; plus strand). Cytogenetic location: 7q31.2.
Variant type: single nucleotide variant.
Coding change: c.2710A>T on transcript NM_000245.4 (MANE Select); coding-DNA position 2710, A replaced by T.
Protein change: p.Asn904Tyr; replaces asparagine 904 with tyrosine.
Molecular consequence: missense variant.
Genome position (GRCh38, 1-based): chr7:116,769,771, A>T. VCF-style: chr7-116769771-A-T. GRCh37 (hg19) VCF-style: chr7-116409825-A-T.
Other names: c.2764A>T, p.Asn922Tyr (NM_001127500.3); c.2710A>T, p.Asn904Tyr (NM_001324401.3); c.1420A>T, p.Asn474Tyr (NM_001324402.2); short protein forms N922Y, N474Y, N904Y.
Identifiers: ClinVar variation 454220 (VCV000454220.11), dbSNP rs1313347428, ClinGen allele CA368985820.